The following is an entry in ClinVar:

ClinVar aggregate classification (germline): Likely pathogenic (1 of 4 stars; one submission).

Submission:

Quest Diagnostics Nichols Institute San Juan Capistrano
Classification: Likely pathogenic. Last evaluated: 2023-05-22. Review status: criteria provided, single submitter. Criteria: Quest Diagnostics criteria. Collection method: clinical testing. Allele origin: unknown.
Comment: The MSH3 c.507dup (p.Asp170*) variant is predicted to cause the premature termination of MSH3 protein synthesis. This variant has not been reported in individuals with MSH3-related conditions in the published literature. This variant has not been reported in large, multi-ethnic general populations (Genome Aggregation Database). Based on the available information, this variant is classified as likely pathogenic.

NM_002439.5(MSH3):c.507dup (p.Asp170Ter)

Gene: MSH3 (mutS homolog 3; plus strand). Cytogenetic location: 5q14.1.
Variant type: Duplication.
Coding change: c.507dup on transcript NM_002439.5 (MANE Select); coding-DNA position 507, one base duplicated (T; older notation c.507dupT).
Protein change: p.Asp170Ter; replaces aspartic acid 170 with a stop codon.
Molecular consequence: nonsense.
Genome position (GRCh38, 1-based): chr5:80,665,291, T duplicated; the last of 4 consecutive T bases (chr5:80,665,288-80,665,291); duplicating any one gives the same sequence. VCF-style (leftmost placement, unchanged base first): chr5-80665287-A-AT. GRCh37 (hg19) VCF-style: chr5-79961106-A-AT.
Other names: short protein forms D170*.
Identifiers: ClinVar variation 2682016 (VCV002682016.1), dbSNP rs2546717522, ClinGen allele CA2697547228.